The following is an entry in ClinVar:

NM_000666.3(ACY1):c.871C>G (p.Gln291Glu)

Genes: ABHD14A-ACY1 (ABHD14A-ACY1 readthrough; plus strand), ACY1 (aminoacylase 1; plus strand). Cytogenetic location: 3p21.2.
Variant type: single nucleotide variant.
Coding change: c.871C>G on transcript NM_000666.3 (MANE Select); coding-DNA position 871, C replaced by G.
Protein change: p.Gln291Glu; replaces glutamine 291 with glutamic acid.
Molecular consequence: missense variant.
Genome position (GRCh38, 1-based): chr3:51,987,574, C>G. VCF-style: chr3-51987574-C-G. GRCh37 (hg19) VCF-style: chr3-52021590-C-G.
Other names: c.871C>G (NM_000666.2); c.1141C>G, p.Gln381Glu (NM_001316331.2); c.871C>G, p.Gln291Glu (NM_001198895.2); c.655C>G, p.Gln219Glu (NM_001198896.2); c.676C>G, p.Gln226Glu (NM_001198897.2); c.766C>G, p.Gln256Glu (NM_001198898.2); short protein forms Q256E, Q381E, Q219E, Q291E, Q226E.
Identifiers: ClinVar variation 2075489 (VCV002075489.5), dbSNP rs202245244, ClinGen allele CA2428669.

ClinVar aggregate classification (germline): Uncertain significance. Review status: criteria provided, multiple submitters, no conflicts (2 of 4 stars). 3 submissions from 3 submitters: Uncertain significance (3). Last evaluated 2024-11-05.

Conditions:
Inborn genetic diseases. Identifiers: MedGen C0950123, MeSH D030342.

Allele frequency attached by ClinVar (database versions not stated): gnomAD 0.00003; gnomAD exomes 0.00004; ExAC 0.00007; TOPMed 0.00007; 1000 Genomes Project 30x 0.00016; 1000 Genomes Project 0.00020.

Submissions (3):

Labcorp Genetics (formerly Invitae), Labcorp
Classification: Uncertain significance. Last evaluated: 2024-11-05. Review status: criteria provided, single submitter. Criteria: Invitae Variant Classification Sherloc (09022015). Collection method: clinical testing. Allele origin: germline.
Comment: This sequence change replaces glutamine, which is neutral and polar, with glutamic acid, which is acidic and polar, at codon 291 of the ACY1 protein (p.Gln291Glu). This variant is present in population databases (rs202245244, gnomAD 0.04%). This variant has not been reported in the literature in individuals affected with ACY1-related conditions. ClinVar contains an entry for this variant (Variation ID: 2075489). Invitae Evidence Modeling of protein sequence and biophysical properties (such as structural, functional, and spatial information, amino acid conservation, physicochemical variation, residue mobility, and thermodynamic stability) indicates that this missense variant is not expected to disrupt ACY1 protein function with a negative predictive value of 80%. In summary, the available evidence is currently insufficient to determine the role of this variant in disease. Therefore, it has been classified as a Variant of Uncertain Significance.

Ambry Genetics
Classification: Uncertain significance for Inborn genetic diseases. Last evaluated: 2024-08-15. Review status: criteria provided, single submitter. Criteria: Ambry Variant Classification Scheme 2023. Collection method: clinical testing. Allele origin: germline.

Blueprint Genetics
Classification: Uncertain significance. Last evaluated: 2024-03-05. Review status: criteria provided, single submitter. Criteria: ACMG Guidelines, 2015. Collection method: clinical testing. Allele origin: germline.